The following is an entry in ClinVar:

ClinVar aggregate classification (germline): Uncertain significance (1 of 4 stars; one submission).

Conditions:
Neuroblastoma, susceptibility to, 1. Identifiers: MedGen C2749485, MONDO:0009741, OMIM 256700.

gnomAD v4.1: 4 of 1,613,868 alleles (0.00025%); highest among the groups gnomAD compares: East Asian, 0.0067%; no homozygotes.

Submission:

St. Jude Molecular Pathology, St. Jude Children's Research Hospital
Classification: Uncertain significance for Neuroblastoma, susceptibility to, 1. Last evaluated: 2026-02-11. Review status: criteria provided, single submitter. Criteria: St. Jude Assertion Criteria 2020. Collection method: clinical testing. Allele origin: germline.
Comment: The KIF1B c.2517C>G p.(His839Gln) missense change has a maximum subpopulation frequency of 0.005% in gnomAD v2.1.1. The in silico tool REVEL is inconclusive about a pathogenic or benign effect of this variant on protein function, and to our knowledge functional studies have not been performed. To our knowledge, this variant has not been reported in individuals with pheochromocytoma or neuroblastoma. In summary, the evidence currently available is insufficient to determine the clinical significance of this variant. It has therefore been classified as of uncertain significance.

NM_001365951.3(KIF1B):c.2655C>G (p.His885Gln)

Gene: KIF1B (kinesin family member 1B; plus strand). Cytogenetic location: 1p36.22.
Variant type: single nucleotide variant.
Coding change: c.2655C>G on transcript NM_001365951.3 (MANE Select); coding-DNA position 2655, C replaced by G.
Protein change: p.His885Gln; replaces histidine 885 with glutamine.
Molecular consequence: missense variant.
Genome position (GRCh38, 1-based): chr1:10,324,875, C>G. VCF-style: chr1-10324875-C-G. GRCh37 (hg19) VCF-style: chr1-10384933-C-G.
Other names: c.2655C>G, p.His885Gln (NM_001365952.1); c.2517C>G, p.His839Gln (NM_015074.3); short protein forms H839Q, H885Q.
Identifiers: ClinVar variation 4813166 (VCV004813166.1).